The following is an entry in ClinVar:

NM_004113.6(FGF12):c.92T>C (p.Ile31Thr)

Gene: FGF12 (fibroblast growth factor 12; minus strand). Cytogenetic location: 3q28.
Variant type: single nucleotide variant.
Coding change: c.92T>C on transcript NM_004113.6 (MANE Select); coding-DNA position 92, T replaced by C.
Protein change: p.Ile31Thr; replaces isoleucine 31 with threonine.
Molecular consequence: missense variant. On other transcripts: intron variant (1).
Genome position (GRCh38, 1-based): chr3:192,360,460, A>G on the plus strand (T>C on the coding strand, the complement: FGF12 is on the minus strand). VCF-style: chr3-192360460-A-G. GRCh37 (hg19) VCF-style: chr3-192078249-A-G.
Other names: c.278T>C (NM_021032.4); c.20T>C, p.Ile7Thr (NM_001377293.1, NM_001377294.1); c.278T>C, p.Ile93Thr (NM_021032.5); c.14-24996T>C (NM_001377292.1); short protein forms I7T, I93T, I31T.
Identifiers: ClinVar variation 1426474 (VCV001426474.10), dbSNP rs773728691, ClinGen allele CA2755841.

ClinVar aggregate classification (germline): Benign/Likely benign. Review status: criteria provided, multiple submitters, no conflicts (2 of 4 stars). 5 submissions from 5 submitters: Benign (1); Likely benign (3). 1 of the submissions does not count toward it. Last evaluated 2026-08-01.

Conditions:
FGF12-related disorder. Also called: FGF12-related condition.
Inborn genetic diseases. Identifiers: MedGen C0950123, MeSH D030342.

Allele frequency attached by ClinVar (database versions not stated): ExAC 0.00004; TOPMed 0.00005; gnomAD exomes 0.00006 and 0.00007; gnomAD 0.00007 and 0.00009.
gnomAD v4.1: 110 of 1,613,614 alleles (0.0068%); highest among the groups gnomAD compares: Non-Finnish European, 0.0089%; no homozygotes.

Submissions (5):

CeGaT Center for Human Genetics Tuebingen
Classification: Likely benign. Last evaluated: 2026-08-01. Review status: criteria provided, single submitter. Criteria: CeGaT Center For Human Genetics Tuebingen Variant Classification Criteria Version 2. Collection method: clinical testing. Allele origin: germline. Affected: yes. Observed: 1 variant allele.
Comment: FGF12: PP3, BS1

Labcorp Genetics (formerly Invitae), Labcorp
Classification: Benign. Last evaluated: 2025-07-30. Review status: criteria provided, single submitter. Criteria: Invitae Variant Classification Sherloc (09022015). Collection method: clinical testing. Allele origin: germline.

Blueprint Genetics
Classification: Likely benign. Last evaluated: 2024-11-25. Review status: criteria provided, single submitter. Criteria: ACMG Guidelines, 2015. Collection method: clinical testing. Allele origin: germline.

Ambry Genetics
Classification: Likely benign for Inborn genetic diseases. Last evaluated: 2023-12-07. Review status: criteria provided, single submitter. Criteria: Ambry Variant Classification Scheme 2023. Collection method: clinical testing. Allele origin: germline.

PreventionGenetics, part of Exact Sciences
Classification: Likely benign for FGF12-related condition. Last evaluated: 2024-06-22. Review status: no assertion criteria provided. Collection method: clinical testing. Allele origin: germline. Not counted in ClinVar's aggregate classification.
Comment: This variant is classified as likely benign based on ACMG/AMP sequence variant interpretation guidelines (Richards et al. 2015 PMID: 25741868, with internal and published modifications).